The following is an entry in ClinVar:

NM_145868.2(ANXA11):c.1112G>A (p.Arg371His)

Gene: ANXA11 (annexin A11; minus strand). Cytogenetic location: 10q22.3.
Variant type: single nucleotide variant.
Coding change: c.1112G>A on transcript NM_145868.2 (MANE Select); coding-DNA position 1112, G replaced by A.
Protein change: p.Arg371His; replaces arginine 371 with histidine.
Molecular consequence: missense variant.
Genome position (GRCh38, 1-based): chr10:80,162,003, C>T on the plus strand (G>A on the coding strand, the complement: ANXA11 is on the minus strand). VCF-style: chr10-80162003-C-T. GRCh37 (hg19) VCF-style: chr10-81921759-C-T.
Other names: c.1112G>A, p.Arg371His (NM_001157.3, NM_001278407.2, NM_001278408.2 and 1 more transcripts); c.1013G>A, p.Arg338His (NM_001278409.2); c.1112G>A (NM_145869.1); short protein forms R338H, R371H.
Identifiers: ClinVar variation 2721328 (VCV002721328.5), dbSNP rs139186583, ClinGen allele CA5575913.
Genomic context (GRCh38, chr10:80,162,003, plus strand): 5'-AGGTGGGCCCGGCTCCGGGAGCACAGAACCGCATTGAACTTGGACTCGTCTGTTCCCAGG[C>T]GGTTCTCCCCGGCCGCATACAGCTCCTGGAGAGAGAGGAAGACGCACATGTGGCACAGGC-3'
Protein context (NP_665875.1, residues 361-381): AQELYAAGEN[Arg371His]LGTDESKFNA

ClinVar aggregate classification (germline): Likely benign. Review status: criteria provided, single submitter (1 of 4 stars). 2 submissions from 2 submitters: Likely benign (1). 1 of the submissions does not count toward it. Last evaluated 2024-05-17.

Conditions:
ANXA11-related disorder. Also called: ANXA11-related condition.

Allele frequency attached by ClinVar (database versions not stated): ExAC 0.00017; ESP Exome Variant Server 0.00023; 1000 Genomes Project 30x 0.00125; 1000 Genomes Project 0.00140.

Submissions (2):

Labcorp Genetics (formerly Invitae), Labcorp
Classification: Likely benign. Last evaluated: 2024-05-17. Review status: criteria provided, single submitter. Criteria: Invitae Variant Classification Sherloc (09022015). Collection method: clinical testing. Allele origin: germline.

PreventionGenetics, part of Exact Sciences
Classification: Likely benign for ANXA11-related condition. Last evaluated: 2023-03-23. Review status: no assertion criteria provided. Collection method: clinical testing. Allele origin: germline. Not counted in ClinVar's aggregate classification.
Comment: This variant is classified as likely benign based on ACMG/AMP sequence variant interpretation guidelines (Richards et al. 2015 PMID: 25741868, with internal and published modifications).